The following is an entry in ClinVar:

NM_201384.3(PLEC):c.10168G>A (p.Glu3390Lys)

Gene: PLEC (plectin; minus strand). Cytogenetic location: 8q24.3.
Variant type: single nucleotide variant.
Coding change: c.10168G>A on transcript NM_201384.3 (MANE Select); coding-DNA position 10168, G replaced by A.
Protein change: p.Glu3390Lys; replaces glutamic acid 3390 with lysine.
Molecular consequence: missense variant.
Genome position (GRCh38, 1-based): chr8:143,919,653, C>T on the plus strand (G>A on the coding strand, the complement: PLEC is on the minus strand). VCF-style: chr8-143919653-C-T. GRCh37 (hg19) VCF-style: chr8-144993821-C-T.
Other names: c.10249G>A, p.Glu3417Lys (NM_000445.5); c.10126G>A, p.Glu3376Lys (NM_201378.4); c.10102G>A, p.Glu3368Lys (NM_201379.3); c.10579G>A, p.Glu3527Lys (NM_201380.4); c.10072G>A, p.Glu3358Lys (NM_201381.3); c.10168G>A, p.Glu3390Lys (NM_201382.4); c.10180G>A, p.Glu3394Lys (NM_201383.3); short protein forms E3358K, E3368K, E3376K, E3390K, E3394K, E3417K, E3527K.
Identifiers: ClinVar variation 513669 (VCV000513669.1), dbSNP rs1554678927, ClinGen allele CA372503244.

ClinVar aggregate classification (germline): Likely benign (1 of 4 stars; one submission).

Allele frequency attached by ClinVar (database versions not stated): gnomAD exomes below 0.00001.
gnomAD v4.1: 2 of 1,590,472 alleles (0.00013%); highest among the groups gnomAD compares: Non-Finnish European, 0.00017%; no homozygotes.

Submission:

GeneDx
Classification: Likely benign. Last evaluated: 2017-11-28. Review status: criteria provided, single submitter. Criteria: GeneDx Variant Classification (06012015). Collection method: clinical testing. Allele origin: germline. Affected: yes.
Comment: This variant is considered likely benign or benign based on one or more of the following criteria: it is a conservative change, it occurs at a poorly conserved position in the protein, it is predicted to be benign by multiple in silico algorithms, and/or has population frequency not consistent with disease.